The following is an entry in ClinVar:

NM_001006658.3(CR2):c.214G>A (p.Asp72Asn)

Gene: CR2 (complement C3d receptor 2; plus strand). Cytogenetic location: 1q32.2.
Variant type: single nucleotide variant.
Coding change: c.214G>A on transcript NM_001006658.3 (MANE Select); coding-DNA position 214, G replaced by A.
Protein change: p.Asp72Asn; replaces aspartic acid 72 with asparagine.
Molecular consequence: missense variant.
Genome position (GRCh38, 1-based): chr1:207,466,681, G>A. VCF-style: chr1-207466681-G-A. GRCh37 (hg19) VCF-style: chr1-207640026-G-A.
Other names: c.214G>A, p.Asp72Asn (NM_001877.5); short protein forms D72N.
Identifiers: ClinVar variation 992567 (VCV000992567.3), dbSNP rs759188564, ClinGen allele CA1368387.
Genomic context (GRCh38, chr1:207,466,681, plus strand): 5'-TCAGGTACCTTCCGCCTCATTGGAGAAAAAAGTCTATTATGCATAACTAAAGACAAAGTG[G>A]ATGGAACCTGGGATAAACCTGCTCCTAAATGTGAATATTTCAATAAATATTCTTCTTGCC-3'
Protein context (NP_001006659.1, residues 62-82): SLLCITKDKV[Asp72Asn]GTWDKPAPKC

ClinVar aggregate classification (germline): Uncertain significance (1 of 4 stars; one submission).

Conditions:
Systemic lupus erythematosus, susceptibility to, 9. Also called: Systemic lupus erythematosus 9. Identifiers: MedGen C1970455, MONDO:0012584, OMIM 610927.
Immunodeficiency, common variable, 7. Identifiers: Orphanet 1572, Orphanet 696894, MedGen C3542922, MONDO:0013862, OMIM 614699.

Allele frequency attached by ClinVar (database versions not stated): gnomAD exomes below 0.00001 and 0.00001; ExAC 0.00001; TOPMed 0.00001.
gnomAD v4.1: 6 of 1,614,108 alleles (0.00037%); highest among the groups gnomAD compares: Non-Finnish European, 0.000085%; no homozygotes.

Submission:

Center for Genomics, Ann and Robert H. Lurie Children's Hospital of Chicago
Classification: Uncertain significance for Systemic lupus erythematosus, susceptibility to, 9; Immunodeficiency, common variable, 7. Review status: criteria provided, single submitter. Criteria: ACMG Guidelines, 2015. Collection method: clinical testing. Allele origin: germline.
Comment: CR2 NM_001006658.2 exon2 p.Asp72Asn (c.214G>A): This variant has not been reported in the literature but is present in 0.01% (2/18390) of East Asian alleles in the Genome Aggregation Database. This variant amino acid Asparagine (Asn) is present in >20 species including mammals and is not well conserved among evolutionarily distant species; this suggests that this variant may not impact the protein. Additional computational prediction tools do not suggest an impact. In summary, data on this variant is insufficient for disease classification. Therefore, the clinical significance of this variant is uncertain.